The following is an entry in ClinVar:

ClinVar aggregate classification (germline): Uncertain significance (1 of 4 stars; one submission).

Conditions:
Malignant hyperthermia, susceptibility to, 1 (MHS1). Also called: RYR1-Related Malignant Hyperthermia Susceptibility; Malignant hyperthermia suceptibility 1; Anesthesia related hyperthermia; Malignant hyperpyrexia; Fulminating hyperpyrexia; Pharmacogenic myopathy. Identifiers: Orphanet 423, MedGen C2930980, MONDO:0007783, OMIM 145600.

Submission:

Color Diagnostics, LLC DBA Color Health
Classification: Uncertain significance for Malignant hyperthermia, susceptibility to, 1. Last evaluated: 2025-09-14. Review status: criteria provided, single submitter. Criteria: ACMG Guidelines, 2015. Collection method: clinical testing. Allele origin: germline.
Comment: This missense variant replaces leucine with isoleucine at codon 1714 of the RYR1 protein. Computational prediction suggests that this variant may have deleterious impact on protein structure and function. To our knowledge, functional studies have not been reported for this variant. This variant has not been reported in individuals affected with RYR1-related disorders in the literature. This variant has not been identified in the general population by the Genome Aggregation Database (gnomAD). The available evidence is insufficient to determine the role of this variant in disease conclusively. Therefore, this variant is classified as a Variant of Uncertain Significance.

NM_000540.3(RYR1):c.5140C>A (p.Leu1714Ile)

Gene: RYR1 (ryanodine receptor 1; plus strand). Cytogenetic location: 19q13.2.
Variant type: single nucleotide variant.
Coding change: c.5140C>A on transcript NM_000540.3 (MANE Select); coding-DNA position 5140, C replaced by A.
Protein change: p.Leu1714Ile; replaces leucine 1714 with isoleucine.
Molecular consequence: missense variant.
Genome position (GRCh38, 1-based): chr19:38,485,795, C>A. VCF-style: chr19-38485795-C-A. GRCh37 (hg19) VCF-style: chr19-38976435-C-A.
Other names: c.5140C>A, p.Leu1714Ile (NM_001042723.2); short protein forms L1714I.
Identifiers: ClinVar variation 4756575 (VCV004756575.1).